The following is an entry in ClinVar:

ClinVar aggregate classification (germline): Uncertain significance. Review status: criteria provided, multiple submitters, no conflicts (2 of 4 stars). 2 submissions from 2 submitters: Uncertain significance (2). Last evaluated 2020-12-29.

Conditions:
Congenital neutropenia-myelofibrosis-nephromegaly syndrome. Also called: Severe congenital neutropenia 5, autosomal recessive. Identifiers: Orphanet 369852, MedGen C3809031, MONDO:0014118, OMIM 615285.

Allele frequency attached by ClinVar (database versions not stated): gnomAD exomes below 0.00001; TOPMed below 0.00001; gnomAD 0.00001.
gnomAD v4.1: 6 of 1,613,828 alleles (0.00037%); highest among the groups gnomAD compares: Non-Finnish European, 0.00051%; no homozygotes.

Submissions (2):

Blueprint Genetics
Classification: Uncertain significance. Last evaluated: 2020-12-29. Review status: criteria provided, single submitter. Criteria: ACMG Guidelines, 2015. Collection method: clinical testing. Allele origin: germline.

Labcorp Genetics (formerly Invitae), Labcorp
Classification: Uncertain significance for Congenital neutropenia-myelofibrosis-nephromegaly syndrome. Last evaluated: 2020-04-21. Review status: criteria provided, single submitter. Criteria: Invitae Variant Classification Sherloc (09022015). Collection method: clinical testing. Allele origin: germline.
Comment: This sequence change replaces aspartic acid with histidine at codon 220 of the VPS45 protein (p.Asp220His). The aspartic acid residue is highly conserved and there is a moderate physicochemical difference between aspartic acid and histidine. This variant is not present in population databases (ExAC no frequency). This variant has not been reported in the literature in individuals with VPS45-related conditions. Algorithms developed to predict the effect of missense changes on protein structure and function are either unavailable or do not agree on the potential impact of this missense change (SIFT: "Deleterious"; PolyPhen-2: "Probably Damaging"; Align-GVGD: "Class C0"). In summary, the available evidence is currently insufficient to determine the role of this variant in disease. Therefore, it has been classified as a Variant of Uncertain Significance.

NM_007259.5(VPS45):c.658G>C (p.Asp220His)

Gene: VPS45 (vacuolar protein sorting 45 homolog; plus strand). Cytogenetic location: 1q21.2.
Variant type: single nucleotide variant.
Coding change: c.658G>C on transcript NM_007259.5 (MANE Select); coding-DNA position 658, G replaced by C.
Protein change: p.Asp220His; replaces aspartic acid 220 with histidine.
Molecular consequence: missense variant. On other transcripts: non-coding transcript variant (1).
Genome position (GRCh38, 1-based): chr1:150,077,750, G>C. VCF-style: chr1-150077750-G-C. GRCh37 (hg19) VCF-style: chr1-150049828-G-C.
Other names: c.343G>C, p.Asp115His (NM_001279353.2); c.550G>C, p.Asp184His (NM_001279354.2); short protein forms D184H, D220H, D115H.
Identifiers: ClinVar variation 937399 (VCV000937399.10), dbSNP rs1175122293, ClinGen allele CA342250307.
Genomic context (GRCh38, chr1:150,077,750, plus strand): 5'-GAACTGTTTGAATTCCGTCGGACAGAGGTTCCTCCATTGCTCCTTATTTTAGATCGCTGT[G>C]ATGATGCCATCACCCCATTGCTAAACCAGGTACAAAACCCTTTCTTGGCATAATAGAAGG-3'
Protein context (NP_009190.2, residues 210-230): PPLLLILDRC[Asp220His]DAITPLLNQW